The following is an entry in ClinVar:

NM_002474.3(MYH11):c.15C>T (p.Gly5=)

Gene: MYH11 (myosin heavy chain 11; minus strand). Cytogenetic location: 16p13.11.
Variant type: single nucleotide variant.
Coding change: c.15C>T on transcript NM_002474.3 (MANE Select); coding-DNA position 15, C replaced by T.
Protein change: p.Gly5=; no amino-acid change (glycine 5 retained).
Molecular consequence: synonymous variant.
Genome position (GRCh38, 1-based): chr16:15,838,238, G>A on the plus strand (C>T on the coding strand, the complement: MYH11 is on the minus strand). VCF-style: chr16-15838238-G-A. GRCh37 (hg19) VCF-style: chr16-15932095-G-A.
Other names: c.15C>T, p.Gly5= (NM_001040113.2, NM_001040114.2, NM_022844.3).
Identifiers: ClinVar variation 3387272 (VCV003387272.1).
Genomic context (GRCh38, chr16:15,838,238, plus strand): 5'-CACTGGGCTGTTGATGAAGTTTTTGTCCACAAAGAGGAACTTCTCATCGTCACTGAGTTG[G>A]CCCTTCTGCGCCATGGTGCCTTGTTGGTCCCCTGTGGAATAAGGTAACAGGGTCAGAATC-3'
Protein context (NP_002465.1, residues 1-15): MAQK[Gly5=]QLSDDEKFLF

ClinVar aggregate classification (germline): Likely benign (1 of 4 stars; one submission).

Conditions:
Familial thoracic aortic aneurysm and aortic dissection (TAAD). Also called: Thoracic aortic aneurysms and dissections. Identifiers: Orphanet 91387, MedGen C4707243, MONDO:0019625.

gnomAD v4.1: 1 of 1,614,054 alleles (0.000062%); highest among the groups gnomAD compares: Non-Finnish European, 0.000085%; no homozygotes.

Submission:

All of Us Research Program, National Institutes of Health
Classification: Likely benign for Familial thoracic aortic aneurysm and aortic dissection. Last evaluated: 2024-06-09. Review status: criteria provided, single submitter. Criteria: ACMG Guidelines, 2015. Collection method: clinical testing. Allele origin: germline. Inheritance: Autosomal dominant inheritance. Observed: 1 variant allele, 1 heterozygote.
Comment: This study involves interpretation of variants in research participants for the purpose of population health screening. Participant phenotype was not available at the time of variant classification. Additional details can be found in publication PMID: 35346344, PMCID: PMC8962531